The following is an entry in ClinVar:

NM_004064.5(CDKN1B):c.331G>A (p.Gly111Arg)

Gene: CDKN1B (cyclin dependent kinase inhibitor 1B; plus strand). Cytogenetic location: 12p13.1.
Variant type: single nucleotide variant.
Coding change: c.331G>A on transcript NM_004064.5 (MANE Select); coding-DNA position 331, G replaced by A.
Protein change: p.Gly111Arg; replaces glycine 111 with arginine.
Molecular consequence: missense variant.
Genome position (GRCh38, 1-based): chr12:12,718,170, G>A. VCF-style: chr12-12718170-G-A. GRCh37 (hg19) VCF-style: chr12-12871104-G-A.
Other names: c.331G>A (NM_004064.3); short protein forms G111R.
Identifiers: ClinVar variation 1061092 (VCV001061092.10), dbSNP rs2136356180, ClinGen allele CA383970253.

ClinVar aggregate classification (germline): Uncertain significance. Review status: criteria provided, multiple submitters, no conflicts (2 of 4 stars). 2 submissions from 2 submitters: Uncertain significance (2). Last evaluated 2025-03-06.

Conditions:
Hereditary cancer-predisposing syndrome. Also called: Tumor predisposition; Neoplastic Syndromes, Hereditary; Hereditary Cancer Syndrome; Hereditary neoplastic syndrome. Identifiers: Orphanet 140162, MedGen C0027672, MeSH D009386, MONDO:0015356.
Multiple endocrine neoplasia type 4. Also called: MULTIPLE ENDOCRINE NEOPLASIA, TYPE IV. Identifiers: Orphanet 276152, MedGen C1970712, MONDO:0012552, OMIM 610755.

Submissions (2):

Labcorp Genetics (formerly Invitae), Labcorp
Classification: Uncertain significance for Multiple endocrine neoplasia type 4. Last evaluated: 2025-03-06. Review status: criteria provided, single submitter. Criteria: Invitae Variant Classification Sherloc (09022015). Collection method: clinical testing. Allele origin: germline.
Comment: This sequence change replaces glycine, which is neutral and non-polar, with arginine, which is basic and polar, at codon 111 of the CDKN1B protein (p.Gly111Arg). This variant is not present in population databases (gnomAD no frequency). This variant has not been reported in the literature in individuals affected with CDKN1B-related conditions. ClinVar contains an entry for this variant (Variation ID: 1061092). An algorithm developed to predict the effect of missense changes on protein structure and function (PolyPhen-2) suggests that this variant is likely to be tolerated. In summary, the available evidence is currently insufficient to determine the role of this variant in disease. Therefore, it has been classified as a Variant of Uncertain Significance.

Ambry Genetics
Classification: Uncertain significance for Hereditary cancer-predisposing syndrome. Last evaluated: 2025-01-09. Review status: criteria provided, single submitter. Criteria: Ambry Variant Classification Scheme 2023. Collection method: clinical testing. Allele origin: germline.
Comment: The p.G111R variant (also known as c.331G>A), located in coding exon 1 of the CDKN1B gene, results from a G to A substitution at nucleotide position 331. The glycine at codon 111 is replaced by arginine, an amino acid with dissimilar properties. This amino acid position is conserved. In addition, this alteration is predicted to be tolerated by in silico analysis. Based on the available evidence, the clinical significance of this variant remains unclear.